The following is an entry in ClinVar:

ClinVar aggregate classification (germline): Uncertain significance (1 of 4 stars; one submission).

Submission:

Women's Health and Genetics/Laboratory Corporation of America, LabCorp
Classification: Uncertain significance. Last evaluated: 2020-09-16. Review status: criteria provided, single submitter. Criteria: LabCorp Variant Classification Summary - May 2015. Collection method: clinical testing. Allele origin: germline.
Comment: Variant summary: MAP2K1 c.802G>A (p.Ala268Thr) results in a non-conservative amino acid change located in the Protein kinase domain (IPR000719) of the encoded protein sequence. Three of five in-silico tools predict a benign effect of the variant on protein function. The variant was absent in 251420 control chromosomes (gnomAD). The available data on variant occurrences in the general population are insufficient to allow any conclusion about variant significance. c.802G>A has been reported in the literature in a postnatal cohort tested for Noonan syndrome and related conditions (Leach_2019). This report does not provide unequivocal conclusions about association of the variant with Noonan Syndrome And Related Conditions. Co-occurrences with a pathogenic variant have been reported (KRAS c.40G>A, p.Val14Ile; Internal testing). To our knowledge, no experimental evidence demonstrating an impact on protein function has been reported. No clinical diagnostic laboratories have submitted clinical-significance assessments for this variant to ClinVar after 2014. Based on the evidence outlined above, the variant was classified as uncertain significance.

Literature cited by the submitters: PubMed 29907801.

NM_002755.4(MAP2K1):c.802G>A (p.Ala268Thr)

Gene: MAP2K1 (mitogen-activated protein kinase kinase 1; plus strand). Cytogenetic location: 15q22.31.
Variant type: single nucleotide variant.
Coding change: c.802G>A on transcript NM_002755.4 (MANE Select); coding-DNA position 802, G replaced by A.
Protein change: p.Ala268Thr; replaces alanine 268 with threonine.
Molecular consequence: missense variant.
Genome position (GRCh38, 1-based): chr15:66,485,098, G>A. VCF-style: chr15-66485098-G-A. GRCh37 (hg19) VCF-style: chr15-66777436-G-A.
Other names: short protein forms A268T.
Identifiers: ClinVar variation 496172 (VCV000496172.2), dbSNP rs1555420656, ClinGen allele CA392937237.